The following is an entry in ClinVar:

ClinVar aggregate classification (germline): Pathogenic. Review status: criteria provided, multiple submitters, no conflicts (2 of 4 stars). 2 submissions from 2 submitters: Pathogenic (2). Last evaluated 2025-07-10.

Conditions:
Wilson disease (WND). Also called: Wilson's disease. Identifiers: Orphanet 905, MedGen C0019202, MONDO:0010200, OMIM 277900. Disease mechanism: loss of function.
Inborn genetic diseases. Identifiers: MedGen C0950123, MeSH D030342.

Allele frequency attached by ClinVar (database versions not stated): gnomAD exomes below 0.00001.
gnomAD v4.1: 2 of 1,613,816 alleles (0.00012%); highest among the groups gnomAD compares: South Asian, 0.0022%; no homozygotes.

Submissions (2):

Ambry Genetics
Classification: Pathogenic for Inborn genetic diseases. Last evaluated: 2025-07-10. Review status: criteria provided, single submitter. Criteria: Ambry Variant Classification Scheme 2023. Collection method: clinical testing. Allele origin: germline.
Comment: The c.4125-1G>A intronic variant results from a G to A substitution one nucleotide before coding exon 21 of the ATP7B gene. This alteration occurs at the 3' terminus of the ATP7B gene, is not expected to trigger nonsense-mediated mRNA decay, and only impacts the last 6.2% of the protein. The exact functional effect of this alteration is unknown; however, a significant portion of the protein is affected (Ambry internal data). Based on data from gnomAD, the A allele has an overall frequency of <0.001% (1/246942) total alleles studied. The highest observed frequency was 0.003% (1/30596) of South Asian alleles. This variant has been identified in the homozygous state and/or in conjunction with other ATP7B variant(s) in individual(s) with features consistent with Wilson Disease; in at least one instance, the variants were identified in trans (Al-Obaidi, 2025; Dufernez, 2013; Loudianos, 2000). This nucleotide position is highly conserved in available vertebrate species. In silico splice site analysis predicts that this alteration will weaken the native splice acceptor site and may result in the creation or strengthening of a novel splice acceptor site. Based on the available evidence, this alteration is classified as pathogenic.

Natera, Inc.
Classification: Pathogenic for Wilson disease. Last evaluated: 2024-07-03. Review status: criteria provided, single submitter. Criteria: Natera Variant Classification Schema (03/2026). Collection method: clinical testing. Allele origin: germline.
Comment: The c.4125-1G>A variant in ATP7B is a canonical splice acceptor site variant predicted to affect pre-mRNA splicing, which may result in an abnormal transcript and altered protein product. This variant may result in a truncated or dysfunctional protein product. This variant is rare in the general population with a frequency below the threshold expected for the associated phenotype(s). This variant has been observed in one or more individuals affected with the associated recessive disease, as either homozygous or compound heterozygous with a second variant (PMID: 23567103). This variant has been identified in one or more affected individual with a phenotype highly consistent with the associated gene (PMID: 23567103). Another variant at this same site results in an alteration predicted to cause a similar molecular effect has been observed in individual(s) with the associated phenotype. Given the available evidence, this variant is classified as Pathogenic.

Literature cited by the submitters: PubMed 11216666 (cited by Ambry Genetics); PubMed 23567103 (cited by Ambry Genetics and Natera, Inc.); PubMed 39933775 (cited by Ambry Genetics).

NM_000053.4(ATP7B):c.4125-1G>A

Gene: ATP7B (ATPase copper transporting beta; minus strand). Cytogenetic location: 13q14.3.
Variant type: single nucleotide variant.
Coding change: c.4125-1G>A on transcript NM_000053.4 (MANE Select); the canonical splice acceptor site of the intron before coding-DNA position 4125, G replaced by A.
Molecular consequence: splice acceptor variant.
Genome position (GRCh38, 1-based): chr13:51,935,030, C>T on the plus strand (G>A on the coding strand, the complement: ATP7B is on the minus strand). VCF-style: chr13-51935030-C-T. GRCh37 (hg19) VCF-style: chr13-52509166-C-T.
Other names: c.3639-1G>A (NM_001406541.1, NM_001406542.1); c.3873-1G>A (NM_001406531.1, NM_001406532.1, NM_001330579.2); c.3891-1G>A (NM_001406527.1, NM_001406528.1, NM_001330578.2); c.3786-1G>A (NM_001406537.1); c.3981-1G>A (NM_001406521.1, NM_001406522.1, NM_001406520.1); c.4119-1G>A (NM_001406513.1); c.4125-1G>A (NM_001406511.1, NM_001406512.1); c.3633-1G>A (NM_001406543.1); and 21 more.
Identifiers: ClinVar variation 4179518 (VCV004179518.2), dbSNP rs1293549383.